The following is an entry in ClinVar:

NM_025144.4(ALPK1):c.2738A>G (p.Gln913Arg)

Gene: ALPK1 (alpha kinase 1; plus strand). Cytogenetic location: 4q25.
Variant type: single nucleotide variant.
Coding change: c.2738A>G on transcript NM_025144.4 (MANE Select); coding-DNA position 2738, A replaced by G.
Protein change: p.Gln913Arg; replaces glutamine 913 with arginine.
Molecular consequence: missense variant.
Genome position (GRCh38, 1-based): chr4:112,432,285, A>G. VCF-style: chr4-112432285-A-G. GRCh37 (hg19) VCF-style: chr4-113353441-A-G.
Other names: c.2738A>G, p.Gln913Arg (NM_001102406.2); c.2504A>G, p.Gln835Arg (NM_001253884.2); short protein forms Q913R, Q835R.
Identifiers: ClinVar variation 2977207 (VCV002977207.3), dbSNP rs776759922, ClinGen allele CA3046980.

ClinVar aggregate classification (germline): Uncertain significance (1 of 4 stars; one submission).

Allele frequency attached by ClinVar (database versions not stated): gnomAD 0.00001; TOPMed 0.00001; gnomAD exomes 0.00002; ExAC 0.00001.
gnomAD v4.1: 13 of 1,614,258 alleles (0.00081%); highest among the groups gnomAD compares: Middle Eastern, 0.033%; no homozygotes.

Submission:

Labcorp Genetics (formerly Invitae), Labcorp
Classification: Uncertain significance. Last evaluated: 2026-01-12. Review status: criteria provided, single submitter. Criteria: Invitae Variant Classification Sherloc (09022015). Collection method: clinical testing. Allele origin: germline.
Comment: This sequence change replaces glutamine, which is neutral and polar, with arginine, which is basic and polar, at codon 913 of the ALPK1 protein (p.Gln913Arg). This variant is present in population databases (rs776759922, gnomAD 0.02%). This variant has not been reported in the literature in individuals affected with ALPK1-related conditions. ClinVar contains an entry for this variant (Variation ID: 2977207). Invitae Evidence Modeling of protein sequence and biophysical properties (such as structural, functional, and spatial information, amino acid conservation, physicochemical variation, residue mobility, and thermodynamic stability) indicates that this missense variant is not expected to disrupt ALPK1 protein function with a negative predictive value of 80%. In summary, the available evidence is currently insufficient to determine the role of this variant in disease. Therefore, it has been classified as a Variant of Uncertain Significance.